The following is an entry in ClinVar:

ClinVar aggregate classification (germline): Uncertain significance. Review status: criteria provided, multiple submitters, no conflicts (2 of 4 stars). 2 submissions from 2 submitters: Uncertain significance (2). Last evaluated 2025-11-03.

Conditions:
Inborn genetic diseases. Identifiers: MedGen C0950123, MeSH D030342.

Allele frequency attached by ClinVar (database versions not stated): gnomAD 0.00001; gnomAD exomes 0.00001 and 0.00002; TOPMed 0.00001; ExAC 0.00002; ESP Exome Variant Server 0.00008.
gnomAD v4.1: 11 of 1,613,752 alleles (0.00068%); highest among the groups gnomAD compares: Non-Finnish European, 0.00085%; no homozygotes.

Submissions (2):

Ambry Genetics
Classification: Uncertain significance for Inborn genetic diseases. Last evaluated: 2025-11-03. Review status: criteria provided, single submitter. Criteria: Ambry Variant Classification Scheme 2023. Collection method: clinical testing. Allele origin: germline.

Labcorp Genetics (formerly Invitae), Labcorp
Classification: Uncertain significance. Last evaluated: 2023-08-24. Review status: criteria provided, single submitter. Criteria: Invitae Variant Classification Sherloc (09022015). Collection method: clinical testing. Allele origin: germline.
Comment: In summary, the available evidence is currently insufficient to determine the role of this variant in disease. Therefore, it has been classified as a Variant of Uncertain Significance. An algorithm developed to predict the effect of missense changes on protein structure and function (PolyPhen-2) suggests that this variant is likely to be disruptive. ClinVar contains an entry for this variant (Variation ID: 1362071). This variant has not been reported in the literature in individuals affected with MEOX1-related conditions. This variant is present in population databases (rs150792046, gnomAD 0.005%). This sequence change replaces arginine, which is basic and polar, with glutamine, which is neutral and polar, at codon 222 of the MEOX1 protein (p.Arg222Gln).

NM_004527.4(MEOX1):c.665G>A (p.Arg222Gln)

Gene: MEOX1 (mesenchyme homeobox 1; minus strand). Cytogenetic location: 17q21.31.
Variant type: single nucleotide variant.
Coding change: c.665G>A on transcript NM_004527.4 (MANE Select); coding-DNA position 665, G replaced by A.
Protein change: p.Arg222Gln; replaces arginine 222 with glutamine.
Molecular consequence: missense variant. On other transcripts: synonymous variant (1).
Genome position (GRCh38, 1-based): chr17:43,642,010, C>T on the plus strand (G>A on the coding strand, the complement: MEOX1 is on the minus strand). VCF-style: chr17-43642010-C-T. GRCh37 (hg19) VCF-style: chr17-41719378-C-T.
Other names: c.320G>A, p.Arg107Gln (NM_001040002.2); c.492G>A, p.Pro164= (NM_013999.4); c.665G>A (NM_004527.3); short protein forms R107Q, R222Q.
Identifiers: ClinVar variation 1362071 (VCV001362071.7), dbSNP rs150792046, ClinGen allele CA8592543.